The following is an entry in ClinVar:

ClinVar aggregate classification (germline): Uncertain significance (1 of 4 stars; one submission).

Submission:

Labcorp Genetics (formerly Invitae), Labcorp
Classification: Uncertain significance. Last evaluated: 2023-12-10. Review status: criteria provided, single submitter. Criteria: Invitae Variant Classification Sherloc (09022015). Collection method: clinical testing. Allele origin: germline.
Comment: This sequence change replaces proline, which is neutral and non-polar, with serine, which is neutral and polar, at codon 126 of the COL9A2 protein (p.Pro126Ser). This variant is not present in population databases (gnomAD no frequency). This variant has not been reported in the literature in individuals affected with COL9A2-related conditions. Advanced modeling of protein sequence and biophysical properties (such as structural, functional, and spatial information, amino acid conservation, physicochemical variation, residue mobility, and thermodynamic stability) performed at Invitae indicates that this missense variant is not expected to disrupt COL9A2 protein function with a negative predictive value of 95%. In summary, the available evidence is currently insufficient to determine the role of this variant in disease. Therefore, it has been classified as a Variant of Uncertain Significance.

NM_001852.4(COL9A2):c.376C>T (p.Pro126Ser)

Gene: COL9A2 (collagen type IX alpha 2 chain; minus strand). Cytogenetic location: 1p34.2.
Variant type: single nucleotide variant.
Coding change: c.376C>T on transcript NM_001852.4 (MANE Select); coding-DNA position 376, C replaced by T.
Protein change: p.Pro126Ser; replaces proline 126 with serine.
Molecular consequence: missense variant.
Genome position (GRCh38, 1-based): chr1:40,312,100, G>A on the plus strand (C>T on the coding strand, the complement: COL9A2 is on the minus strand). VCF-style: chr1-40312100-G-A. GRCh37 (hg19) VCF-style: chr1-40777772-G-A.
Other names: short protein forms P126S.
Identifiers: ClinVar variation 3004693 (VCV003004693.3), dbSNP rs146903539, ClinGen allele CA339856724.